The following is an entry in ClinVar:

NM_002471.4(MYH6):c.3199A>G (p.Ser1067Gly)

Gene: MYH6 (myosin heavy chain 6; minus strand). Cytogenetic location: 14q11.2.
Variant type: single nucleotide variant.
Coding change: c.3199A>G on transcript NM_002471.4 (MANE Select); coding-DNA position 3199, A replaced by G.
Protein change: p.Ser1067Gly; replaces serine 1067 with glycine.
Molecular consequence: missense variant.
Genome position (GRCh38, 1-based): chr14:23,392,964, T>C on the plus strand (A>G on the coding strand, the complement: MYH6 is on the minus strand). VCF-style: chr14-23392964-T-C. GRCh37 (hg19) VCF-style: chr14-23862173-T-C.
Other names: short protein forms S1067G.
Identifiers: ClinVar variation 44477 (VCV000044477.28), dbSNP rs145508517, ClinGen allele CA134313.
Genomic context (GRCh38, chr14:23,392,964, plus strand): 5'-TCTCCTACTTCTTAAGCTTTTCTTCCAGCTGCAGTTTATCATTTTCCAGGTCCATGATGC[T>C]CTCCTGGGTCAGCTTCAGGTCGCCCTCCAGTTTCCGCTTTGCTCGCTCCAGGTCCATGCG-3'
Protein context (NP_002462.2, residues 1057-1077): LEGDLKLTQE[Ser1067Gly]IMDLENDKLQ

ClinVar aggregate classification (germline): Conflicting classifications of pathogenicity. Review status: criteria provided, conflicting classifications (1 of 4 stars). 9 submissions from 9 submitters: Uncertain significance (4); Likely benign (5). Last evaluated 2026-07-18.

Conditions:
MYH6-related disorder. Also called: MYH6-Related Disorders; MYH6-related condition.
Cardiovascular phenotype. Identifiers: MedGen CN230736.
Hypertrophic cardiomyopathy 14. Identifiers: MedGen C2750467, MONDO:0013197, OMIM 613251.

Allele frequency attached by ClinVar (database versions not stated): ExAC 0.00009; gnomAD 0.00027; TOPMed 0.00029; 1000 Genomes Project 0.00040; ESP Exome Variant Server 0.00046; 1000 Genomes Project 30x 0.00047; gnomAD exomes 0.00002 and 0.00006.
gnomAD v4.1: 65 of 1,614,174 alleles (0.004%); highest among the groups gnomAD compares: African/African-American, 0.077%; no homozygotes.

Submissions (9):

PreventionGenetics, part of Exact Sciences
Classification: Uncertain significance for MYH6-related condition. Last evaluated: 2026-07-18. Review status: criteria provided, single submitter. Criteria: ACMG Guidelines, 2015. Collection method: clinical testing. Allele origin: germline.
Comment: The MYH6 c.3199A>G variant is predicted to result in the amino acid substitution p.Ser1067Gly. To our knowledge, this variant has not been reported in the literature. This variant is reported in 0.092% of alleles in individuals of African descent in gnomAD, which may be too common to be causative. Although we suspect that this variant may be benign, at this time, the clinical significance of this variant is uncertain due to the absence of conclusive functional and genetic evidence.

Labcorp Genetics (formerly Invitae), Labcorp
Classification: Likely benign for Hypertrophic cardiomyopathy 14. Last evaluated: 2025-12-08. Review status: criteria provided, single submitter. Criteria: Invitae Variant Classification Sherloc (09022015). Collection method: clinical testing. Allele origin: germline.

GeneDx
Classification: Uncertain significance. Last evaluated: 2024-04-19. Review status: criteria provided, single submitter. Criteria: GeneDx Variant Classification Process June 2021. Collection method: clinical testing. Allele origin: germline. Affected: yes.
Comment: Has not been previously published in association with an MYH6-related disorder to our knowledge; In silico analysis supports that this missense variant has a deleterious effect on protein structure/function; This variant is associated with the following publications: (PMID: 23861362)

Ambry Genetics
Classification: Likely benign for Cardiovascular phenotype. Last evaluated: 2019-05-31. Review status: criteria provided, single submitter. Criteria: Ambry Variant Classification Scheme 2023. Collection method: clinical testing. Allele origin: germline.

Mayo Clinic Laboratories, Mayo Clinic
Classification: Uncertain significance. Last evaluated: 2019-04-28. Review status: criteria provided, single submitter. Criteria: ACMG Guidelines, 2015. Collection method: clinical testing. Allele origin: germline. Observed: 1 variant allele.

Blueprint Genetics
Classification: Likely benign. Last evaluated: 2018-07-26. Review status: criteria provided, single submitter. Criteria: ACMG Guidelines, 2015. Collection method: clinical testing. Allele origin: germline.

Women's Health and Genetics/Laboratory Corporation of America, LabCorp
Classification: Likely benign. Last evaluated: 2018-05-29. Review status: criteria provided, single submitter. Criteria: LabCorp Variant Classification Summary - May 2015. Collection method: clinical testing. Allele origin: germline.
Comment: Variant summary: MYH6 c.3199A>G (p.Ser1067Gly) results in a non-conservative amino acid change located in the Myosin tail domain of the encoded protein sequence. Three of five in-silico tools predict a damaging effect of the variant on protein function. The variant frequency in the gnomAD database was 0.000097, but was observed predominantly in the African subpopulation at a frequency of 0.00099. This frequency within African control individuals in the gnomAD database is approximately 40 fold above the estimated maximal expected allele frequency for a pathogenic variant in MYH6 causing Cardiomyopathy phenotype (2.5e-05), strongly suggesting that the variant is a benign polymorphism found primarily in populations of African origin. c.3199A>G has been reported in the literature, however, this report does not provide unequivocal conclusions about association of the variant with Cardiomyopathy. To our knowledge, no experimental evidence demonstrating an impact on protein function has been reported. Two clinical diagnostic laboratories have submitted clinical-significance assessments for this variant to ClinVar after 2014 without evidence for independent evaluation and both classified the variant as uncertain significance, although the summary evidence provided by one of them suggests a benign etiology. Based on the evidence outlined above, the variant was classified as likely benign.

Laboratory for Molecular Medicine, Mass General Brigham Personalized Medicine
Classification: Uncertain significance. Last evaluated: 2017-02-22. Review status: criteria provided, single submitter. Criteria: LMM Criteria. Collection method: clinical testing. Allele origin: germline. Observed: 2 variant alleles.
Comment: Variant classified as Uncertain Significance - Favor Benign. This variant w as identified in 0.1% (11/10406) of African chromosomes by the Exome Aggregation Consortium (ExAC; dbSNP rs145508517). Computat ional prediction tools and conservation analysis do not provide strong support f or or against an impact to the protein. This variant was identified in ClinVar ( Variant ID:44477). In summary, while the clinical significance of the p.Ser1067G ly variant is uncertain, its frequency and non-segregation suggests that it is m ore likely to be benign.

Biesecker Lab/Clinical Genomics Section, National Institutes of Health
Classification: Likely benign. Last evaluated: 2013-06-24. Review status: criteria provided, single submitter. Criteria: Ng et al. (Circ Cardiovasc Genet. 2013). Collection method: research. Allele origin: unknown. Observed: 1 variant allele. Study: ClinSeq.
Comment: The study set was not selected for affection status in relation to any cancer. Pathogenicity categories were based on literature curation. See Pubmed ID:23861362 for details.

Medical sequencing

Literature cited by the submitters: PubMed 23861362 (cited by Women's Health and Genetics/Laboratory Corporation of America, LabCorp).